The following is an entry in ClinVar:

NM_002160.4(TNC):c.3163G>A (p.Ala1055Thr)

Gene: TNC (tenascin C; minus strand). Cytogenetic location: 9q33.1.
Variant type: single nucleotide variant.
Coding change: c.3163G>A on transcript NM_002160.4 (MANE Select); coding-DNA position 3163, G replaced by A.
Protein change: p.Ala1055Thr; replaces alanine 1055 with threonine.
Molecular consequence: missense variant.
Genome position (GRCh38, 1-based): chr9:115,073,654, C>T on the plus strand (G>A on the coding strand, the complement: TNC is on the minus strand). VCF-style: chr9-115073654-C-T. GRCh37 (hg19) VCF-style: chr9-117835933-C-T.
Other names: c.3163G>A, p.Ala1055Thr (NM_001410991.1); short protein forms A1055T.
Identifiers: ClinVar variation 3459046 (VCV003459046.3).

ClinVar aggregate classification (germline): Conflicting classifications of pathogenicity. Review status: criteria provided, conflicting classifications (1 of 4 stars). 3 submissions from 3 submitters: Uncertain significance (2); Likely benign (1). Last evaluated 2026-05-18.

Conditions:
TNC-related disorder. Also called: TNC-related condition.

gnomAD v4.1: 117 of 1,614,048 alleles (0.0072%); highest among the groups gnomAD compares: Middle Eastern, 0.049%; no homozygotes.

Submissions (3):

PreventionGenetics, part of Exact Sciences
Classification: Uncertain significance for TNC-related condition. Last evaluated: 2026-05-18. Review status: criteria provided, single submitter. Criteria: ACMG Guidelines, 2015. Collection method: clinical testing. Allele origin: germline.
Comment: The TNC c.3163G>A variant is predicted to result in the amino acid substitution p.Ala1055Thr. To our knowledge, this variant has not been reported in the literature. This variant is reported in 0.025% of alleles in individuals of Latino descent in gnomAD. Although we suspect that this variant may be benign, at this time, the clinical significance of this variant is uncertain due to the absence of conclusive functional and genetic evidence.

Blueprint Genetics
Classification: Likely benign. Last evaluated: 2024-09-05. Review status: criteria provided, single submitter. Criteria: ACMG Guidelines, 2015. Collection method: clinical testing. Allele origin: germline.

Ambry Genetics
Classification: Uncertain significance. Last evaluated: 2024-07-09. Review status: criteria provided, single submitter. Criteria: Ambry Variant Classification Scheme 2023. Collection method: clinical testing. Allele origin: germline.